The following is an entry in ClinVar:

ClinVar aggregate classification (germline): Benign (1 of 4 stars; one submission).

Submission:

Laboratory for Molecular Medicine, Mass General Brigham Personalized Medicine
Classification: Benign. Last evaluated: 2016-03-28. Review status: criteria provided, single submitter. Criteria: LMM Criteria. Collection method: clinical testing. Allele origin: germline.
Comment: Variant identified in a genome or exome case(s) and assessed due to predicted null impact of the variant or pathogenic assertions in the literature or databases. Disclaimer: This variant has not undergone full assessment. The following are preliminary notes: Frequency

NM_001352027.3(PHF21A):c.1685-3del

Gene: PHF21A (PHD finger protein 21A; minus strand). Cytogenetic location: 11p11.2.
Variant type: Deletion.
Coding change: c.1685-3del on transcript NM_001352027.3 (MANE Select); 3 bases into the intron before coding-DNA position 1685, one base deleted (T; older notation c.1685-3delT).
Molecular consequence: intron variant.
Genome position (GRCh38, 1-based): chr11:45,935,742, A deleted on the plus strand (T on the coding strand, the reverse complement: PHF21A is on the minus strand); the first of 23 consecutive A bases (chr11:45,935,742-45,935,764); deleting any one gives the same sequence. VCF-style (leftmost placement, unchanged base first): chr11-45935741-TA-T. GRCh37 (hg19) VCF-style: chr11-45957292-TA-T.
Other names: c.1541-3del (NM_001352030.3, NM_001352031.3, NM_001352032.3); c.1682-3del (NM_001101802.3); c.1685-3del (NM_001352026.3, NM_001352025.3); c.1544-3del (NM_016621.5, NM_001352028.1, NM_001352029.1).
Identifiers: ClinVar variation 403296 (VCV000403296.4), dbSNP rs35995547, ClinGen allele CA5961027.